The following is an entry in ClinVar:

NM_006721.4(ADK):c.195G>T (p.Leu65=)

Gene: ADK (adenosine kinase; plus strand). Cytogenetic location: 10q22.2.
Variant type: single nucleotide variant.
Coding change: c.195G>T on transcript NM_006721.4 (MANE Select); coding-DNA position 195, G replaced by T.
Protein change: p.Leu65=; no amino-acid change (leucine 65 retained).
Molecular consequence: synonymous variant. On other transcripts: missense variant (1).
Genome position (GRCh38, 1-based): chr10:74,314,667, G>T. VCF-style: chr10-74314667-G-T. GRCh37 (hg19) VCF-style: chr10-76074425-G-T.
Other names: c.144G>T, p.Leu48= (NM_001123.4, NM_001369124.1); c.90G>T, p.Lys30Asn (NM_001202449.2); c.195G>T, p.Leu65= (NM_001202450.2, NM_001369123.1); short protein forms K30N.
Identifiers: ClinVar variation 2113805 (VCV002113805.5), dbSNP rs1194483230, ClinGen allele CA377396946.

ClinVar aggregate classification (germline): Uncertain significance (1 of 4 stars; one submission).

gnomAD v4.1: 1 of 1,610,694 alleles (0.000062%); highest among the groups gnomAD compares: Admixed American, 0.0017%; no homozygotes.

Submissions (2):

Labcorp Genetics (formerly Invitae), Labcorp
Classification: Uncertain significance. Last evaluated: 2022-09-07. Review status: criteria provided, single submitter. Criteria: Invitae Variant Classification Sherloc (09022015). Collection method: clinical testing. Allele origin: germline.
Comment: This variant has not been reported in the literature in individuals affected with ADK-related conditions. The frequency data for this variant in the population databases is considered unreliable, as metrics indicate poor data quality at this position in the gnomAD database. This sequence change affects codon 48 of the ADK mRNA. It is a 'silent' change, meaning that it does not change the encoded amino acid sequence of the ADK protein. It affects a nucleotide within the consensus splice site. Algorithms developed to predict the effect of sequence changes on RNA splicing suggest that this variant is not likely to affect RNA splicing. In summary, the available evidence is currently insufficient to determine the role of this variant in disease. Therefore, it has been classified as a Variant of Uncertain Significance.

Dr. Peter K. Rogan Lab, Western University
No classification provided (evidence only). Condition: Familial cancer of breast. Review status: no classification provided. Collection method: in vitro. Allele origin: not applicable. Functional consequence: retained intron. Not counted in ClinVar's aggregate classification.